The following is an entry in ClinVar:

ClinVar aggregate classification (germline): Conflicting classifications of pathogenicity. Review status: criteria provided, conflicting classifications (1 of 4 stars). 3 submissions from 3 submitters: Uncertain significance (2); Likely benign (1). Last evaluated 2026-01-19.

Conditions:
Inborn genetic diseases. Identifiers: MedGen C0950123, MeSH D030342.
Charcot-Marie-Tooth disease axonal type 2Z. Also called: CHARCOT-MARIE-TOOTH DISEASE, AXONAL, AUTOSOMAL DOMINANT, TYPE 2Z; CHARCOT-MARIE-TOOTH NEUROPATHY, TYPE 2Z. Identifiers: Orphanet 466768, MedGen C5569025, MONDO:0014736, OMIM 616688.

Allele frequency attached by ClinVar (database versions not stated): gnomAD exomes 0.00001 and 0.00002; ExAC 0.00002; gnomAD 0.00013; TOPMed 0.00014; 1000 Genomes Project 30x 0.00016; 1000 Genomes Project 0.00020.
gnomAD v4.1: 36 of 1,614,188 alleles (0.0022%); highest among the groups gnomAD compares: African/African-American, 0.048%; no homozygotes.

Submissions (3):

Labcorp Genetics (formerly Invitae), Labcorp
Classification: Uncertain significance for Charcot-Marie-Tooth disease axonal type 2Z. Last evaluated: 2026-01-19. Review status: criteria provided, single submitter. Criteria: Invitae Variant Classification Sherloc (09022015). Collection method: clinical testing. Allele origin: germline.
Comment: This sequence change replaces alanine, which is neutral and non-polar, with valine, which is neutral and non-polar, at codon 689 of the MORC2 protein (p.Ala689Val). This variant is present in population databases (rs560948457, gnomAD 0.03%). This variant has not been reported in the literature in individuals affected with MORC2-related conditions. ClinVar contains an entry for this variant (Variation ID: 571656). Invitae Evidence Modeling of protein sequence and biophysical properties (such as structural, functional, and spatial information, amino acid conservation, physicochemical variation, residue mobility, and thermodynamic stability) indicates that this missense variant is not expected to disrupt MORC2 protein function with a negative predictive value of 95%. In summary, the available evidence is currently insufficient to determine the role of this variant in disease. Therefore, it has been classified as a Variant of Uncertain Significance.

Women's Health and Genetics/Laboratory Corporation of America, LabCorp
Classification: Uncertain significance. Last evaluated: 2024-06-21. Review status: criteria provided, single submitter. Criteria: LabCorp Variant Classification Summary - May 2015. Collection method: clinical testing. Allele origin: germline.
Comment: Variant summary: MORC2 c.2066C>T (p.Ala689Val) results in a non-conservative amino acid change in the encoded protein sequence. Four of five in-silico tools predict a benign effect of the variant on protein function. The variant allele was found at a frequency of 2e-05 in 251326 control chromosomes. The available data on variant occurrences in the general population are insufficient to allow any conclusion about variant significance. To our knowledge, no occurrence of c.2066C>T in individuals affected with Developmental Delay, Impaired Growth, Dysmorphic Facies, And Axonal Neuropathy and no experimental evidence demonstrating its impact on protein function have been reported. ClinVar contains an entry for this variant (Variation ID: 571656). Based on the evidence outlined above, the variant was classified as uncertain significance.

Ambry Genetics
Classification: Likely benign for Inborn genetic diseases. Last evaluated: 2019-11-11. Review status: criteria provided, single submitter. Criteria: Ambry Variant Classification Scheme 2023. Collection method: clinical testing. Allele origin: germline.

NM_001303256.3(MORC2):c.2066C>T (p.Ala689Val)

Gene: MORC2 (MORC family CW-type zinc finger 2; minus strand). Cytogenetic location: 22q12.2.
Variant type: single nucleotide variant.
Coding change: c.2066C>T on transcript NM_001303256.3 (MANE Select); coding-DNA position 2066, C replaced by T.
Protein change: p.Ala689Val; replaces alanine 689 with valine.
Molecular consequence: missense variant.
Genome position (GRCh38, 1-based): chr22:30,934,908, G>A on the plus strand (C>T on the coding strand, the complement: MORC2 is on the minus strand). VCF-style: chr22-30934908-G-A. GRCh37 (hg19) VCF-style: chr22-31330895-G-A.
Other names: c.2066C>T, p.Ala689Val (NM_001303257.2); c.1880C>T, p.Ala627Val (NM_014941.3); short protein forms A627V, A689V.
Identifiers: ClinVar variation 571656 (VCV000571656.13), dbSNP rs560948457, ClinGen allele CA10186778.